The following is an entry in ClinVar:

ClinVar aggregate classification (germline): Uncertain significance. Review status: no assertion criteria provided (0 of 4 stars). 2 submissions from 2 submitters: Uncertain significance (1). 1 of the submissions does not count toward it. Last evaluated 2017-12-30.

Conditions:
Hyperekplexia 1 (STHE). Also called: HYPEREKPLEXIA 1, AUTOSOMAL DOMINANT; HYPEREKPLEXIA 1, AUTOSOMAL RECESSIVE; EXAGGERATED STARTLE REACTION; KOK DISEASE; STARTLE DISEASE, FAMILIAL; STIFF-BABY SYNDROME. Identifiers: Orphanet 3197, MedGen C4551954, MONDO:0007868, OMIM 149400.

Submissions (2):

Department of Genetics, Sultan Qaboos University Hospital
Classification: Uncertain significance for Hyperekplexia 1. Last evaluated: 2017-12-30. Review status: no assertion criteria provided. Collection method: curation. Allele origin: unknown. Affected: yes.

ClinVar Staff, National Center for Biotechnology Information (NCBI)
No classification provided. Condition: Hyperekplexia hereditary. Review status: no classification provided. Collection method: not provided. Allele origin: germline. Not counted in ClinVar's aggregate classification.
Comment: Identified in two large, unrelated consanguineous families in Oman.

Literature cited by the submitters: PubMed 22264702 (cited by Department of Genetics, Sultan Qaboos University Hospital).

NM_000171.4(GLRA1):c.593G>C (p.Trp198Ser)

Gene: GLRA1 (glycine receptor alpha 1; minus strand). Cytogenetic location: 5q33.1.
Variant type: single nucleotide variant.
Coding change: c.593G>C on transcript NM_000171.4 (MANE Select); coding-DNA position 593, G replaced by C.
Protein change: p.Trp198Ser; replaces tryptophan 198 with serine.
Molecular consequence: missense variant.
Genome position (GRCh38, 1-based): chr5:151,855,144, C>G on the plus strand (G>C on the coding strand, the complement: GLRA1 is on the minus strand). VCF-style: chr5-151855144-C-G. GRCh37 (hg19) VCF-style: chr5-151234705-C-G.
Other names: c.593G>C, p.Trp198Ser (NM_001146040.2); c.344G>C, p.Trp115Ser (NM_001292000.2); short protein forms W198S, W115S.
Identifiers: ClinVar variation 156334 (VCV000156334.2), dbSNP rs202247813, ClinGen allele CA270747.
Genomic context (GRCh38, chr5:151,855,144, plus strand): 5'-TTCAAGATAAACTGGGGCAGAGTTAGTCCATCTGCTACCTGCACGGCTCCCTGTTCCTGC[C>G]ACTCAAAGATGAGGTCATTCATCGTATATCCAACTGGGATGGGATCAGAAGAAGGAGCAG-3'
Protein context (NP_000162.2, residues 188-208): GYTMNDLIFE[Trp198Ser]QEQGAVQVAD